The following is an entry in ClinVar:

ClinVar aggregate classification (germline): Benign/Likely benign. Review status: criteria provided, multiple submitters, no conflicts (2 of 4 stars). 4 submissions from 4 submitters: Benign (3); Likely benign (1). Last evaluated 2024-11-26.

Conditions:
Platelet-type bleeding disorder 9 (BDPLT9). Also called: GLYCOPROTEIN Ia DEFICIENCY; GP Ia DEFICIENCY; COLLAGEN PLATELET RECEPTOR DEFICIENCY. Identifiers: Orphanet 73271, Orphanet 98886, MedGen C3280114, MONDO:0013622, OMIM 614200.

Allele frequency attached by ClinVar (database versions not stated): 1000 Genomes Project 0.70228; 1000 Genomes Project 30x 0.70300; gnomAD exomes 0.71875; ExAC 0.72126; gnomAD 0.74254 and 0.74623; TOPMed 0.74292; ESP Exome Variant Server 0.75311.
gnomAD v4.1: 1,174,511 of 1,612,300 alleles (73%); highest among the groups gnomAD compares: African/African-American, 79%; 429,230 homozygotes.

Submissions (4):

Blueprint Genetics
Classification: Likely benign. Last evaluated: 2024-11-26. Review status: criteria provided, single submitter. Criteria: ACMG Guidelines, 2015. Collection method: clinical testing. Allele origin: germline.

GeneDx
Classification: Benign. Last evaluated: 2018-11-12. Review status: criteria provided, single submitter. Criteria: GeneDx Variant Classification Process June 2021. Collection method: clinical testing. Allele origin: germline. Affected: yes.

Illumina Laboratory Services, Illumina
Classification: Benign for Platelet-type bleeding disorder 9. Last evaluated: 2018-01-13. Review status: criteria provided, single submitter. Criteria: ICSL Variant Classification Criteria 13 December 2019. Collection method: clinical testing. Allele origin: germline.
Comment: This variant was observed in the ICSL laboratory as part of a predisposition screen in an ostensibly healthy population. It had not been previously curated by ICSL or reported in the Human Gene Mutation Database (HGMD: prior to June 1st, 2018), and was therefore a candidate for classification through an automated scoring system. Utilizing variant allele frequency, disease prevalence and penetrance estimates, and inheritance mode, an automated score was calculated to assess if this variant is too frequent to cause the disease. Based on the score and internal cut-off values, a variant classified as benign is not then subjected to further curation. The score for this variant resulted in a classification of benign for this disease.

Breakthrough Genomics
Classification: Benign. Review status: criteria provided, single submitter. Criteria: ACMG Guidelines, 2015. Collection method: not provided. Allele origin: germline. Inheritance: Unknown mechanism. Affected: yes.

NM_002203.4(ITGA2):c.630+10A>G

Gene: ITGA2 (integrin subunit alpha 2; plus strand). Cytogenetic location: 5q11.2.
Variant type: single nucleotide variant.
Coding change: c.630+10A>G on transcript NM_002203.4 (MANE Select); 10 bases into the intron after coding-DNA position 630, A replaced by G.
Molecular consequence: intron variant.
Genome position (GRCh38, 1-based): chr5:53,048,780, A>G. VCF-style: chr5-53048780-A-G. GRCh37 (hg19) VCF-style: chr5-52344610-A-G.
Identifiers: ClinVar variation 353737 (VCV000353737.8), dbSNP rs1421933, ClinGen allele CA3262654.